The following is an entry in ClinVar:

ClinVar aggregate classification (germline): Uncertain significance (1 of 4 stars; one submission).

Conditions:
Ullrich congenital muscular dystrophy 2 (UCMD2). Identifiers: Orphanet 75840, MedGen C4225314, MONDO:0014654, OMIM 616470.
Bethlem myopathy 2 (BTHLM2). Identifiers: Orphanet 536516, Orphanet 610, MedGen C4225313, MONDO:0034022, OMIM 616471.

gnomAD v4.1: 2 of 1,613,332 alleles (0.00012%); highest among the groups gnomAD compares: Non-Finnish European, 0.00017%; no homozygotes.

Submission:

Labcorp Genetics (formerly Invitae), Labcorp
Classification: Uncertain significance for Bethlem myopathy 2; Ullrich congenital muscular dystrophy 2. Last evaluated: 2026-01-21. Review status: criteria provided, single submitter. Criteria: Invitae Variant Classification Sherloc (09022015). Collection method: clinical testing. Allele origin: germline.
Comment: This sequence change replaces alanine, which is neutral and non-polar, with threonine, which is neutral and polar, at codon 288 of the COL12A1 protein (p.Ala288Thr). This variant is not present in population databases (gnomAD no frequency). This variant has not been reported in the literature in individuals affected with COL12A1-related conditions. Invitae Evidence Modeling of protein sequence and biophysical properties (such as structural, functional, and spatial information, amino acid conservation, physicochemical variation, residue mobility, and thermodynamic stability) has been performed for this missense variant. However, the output from this modeling did not meet the statistical confidence thresholds required to predict the impact of this variant on COL12A1 protein function. In summary, the available evidence is currently insufficient to determine the role of this variant in disease. Therefore, it has been classified as a Variant of Uncertain Significance.

NM_004370.6(COL12A1):c.862G>A (p.Ala288Thr)

Gene: COL12A1 (collagen type XII alpha 1 chain; minus strand). Cytogenetic location: 6q13.
Variant type: single nucleotide variant.
Coding change: c.862G>A on transcript NM_004370.6 (MANE Select); coding-DNA position 862, G replaced by A.
Protein change: p.Ala288Thr; replaces alanine 288 with threonine.
Molecular consequence: missense variant. On other transcripts: intron variant (2).
Genome position (GRCh38, 1-based): chr6:75,188,497, C>T on the plus strand (G>A on the coding strand, the complement: COL12A1 is on the minus strand). VCF-style: chr6-75188497-C-T. GRCh37 (hg19) VCF-style: chr6-75898213-C-T.
Other names: c.862G>A, p.Ala288Thr (NM_001424113.1, NM_001424114.1, NM_001424115.1); c.73+14223G>A (NM_001424116.1, NM_080645.3); short protein forms A288T.
Identifiers: ClinVar variation 4782751 (VCV004782751.1).